The following is an entry in ClinVar:

ClinVar aggregate classification (germline): Uncertain significance (1 of 4 stars; one submission).

Allele frequency attached by ClinVar (database versions not stated): gnomAD exomes below 0.00001.
gnomAD v4.1: 2 of 1,587,048 alleles (0.00013%); highest among the groups gnomAD compares: South Asian, 0.0012%; no homozygotes.

Submission:

Labcorp Genetics (formerly Invitae), Labcorp
Classification: Uncertain significance. Last evaluated: 2024-01-31. Review status: criteria provided, single submitter. Criteria: Invitae Variant Classification Sherloc (09022015). Collection method: clinical testing. Allele origin: germline.
Comment: This sequence change replaces alanine, which is neutral and non-polar, with threonine, which is neutral and polar, at codon 1704 of the MYH14 protein (p.Ala1704Thr). This variant is not present in population databases (gnomAD no frequency). This variant has not been reported in the literature in individuals affected with MYH14-related conditions. Advanced modeling of protein sequence and biophysical properties (such as structural, functional, and spatial information, amino acid conservation, physicochemical variation, residue mobility, and thermodynamic stability) performed at Invitae indicates that this missense variant is not expected to disrupt MYH14 protein function with a negative predictive value of 80%. In summary, the available evidence is currently insufficient to determine the role of this variant in disease. Therefore, it has been classified as a Variant of Uncertain Significance.

NM_001145809.2(MYH14):c.5233G>A (p.Ala1745Thr)

Gene: MYH14 (myosin heavy chain 14; plus strand). Cytogenetic location: 19q13.33.
Variant type: single nucleotide variant.
Coding change: c.5233G>A on transcript NM_001145809.2 (MANE Select); coding-DNA position 5233, G replaced by A.
Protein change: p.Ala1745Thr; replaces alanine 1745 with threonine.
Molecular consequence: missense variant.
Genome position (GRCh38, 1-based): chr19:50,292,366, G>A. VCF-style: chr19-50292366-G-A. GRCh37 (hg19) VCF-style: chr19-50795623-G-A.
Other names: c.5134G>A, p.Ala1712Thr (NM_001077186.2); c.5110G>A, p.Ala1704Thr (NM_024729.4); short protein forms A1704T, A1745T, A1712T.
Identifiers: ClinVar variation 2875185 (VCV002875185.3), dbSNP rs1359743494, ClinGen allele CA406962628.